The following is an entry in ClinVar:

ClinVar aggregate classification (germline): Uncertain significance (1 of 4 stars; one submission).

Conditions:
Hypertrophic cardiomyopathy. Also called: HYPERTROPHIC MYOCARDIOPATHY. Identifiers: Orphanet 217569, MedGen C0007194, MeSH D002312, MONDO:0005045, HP:0001639.

Submission:

Labcorp Genetics (formerly Invitae), Labcorp
Classification: Uncertain significance for Hypertrophic cardiomyopathy. Last evaluated: 2017-10-22. Review status: criteria provided, single submitter. Criteria: Invitae Variant Classification Sherloc (09022015). Collection method: clinical testing. Allele origin: germline.
Comment: This sequence change replaces leucine with arginine at codon 1058 of the MYBPC3 protein (p.Leu1058Arg). The leucine residue is moderately conserved and there is a moderate physicochemical difference between leucine and arginine. This variant is not present in population databases (ExAC no frequency). This variant has not been reported in the literature in individuals with MYBPC3-related disease. Algorithms developed to predict the effect of missense changes on protein structure and function (SIFT, PolyPhen-2, Align-GVGD) all suggest that this variant is likely to be disruptive, but these predictions have not been confirmed by published functional studies and their clinical significance is uncertain. In summary, the available evidence is currently insufficient to determine the role of this variant in disease. Therefore, it has been classified as a Variant of Uncertain Significance.

NM_000256.3(MYBPC3):c.3173T>G (p.Leu1058Arg)

Gene: MYBPC3 (myosin binding protein C3; minus strand). Cytogenetic location: 11p11.2.
Variant type: single nucleotide variant.
Coding change: c.3173T>G on transcript NM_000256.3 (MANE Select); coding-DNA position 3173, T replaced by G.
Protein change: p.Leu1058Arg; replaces leucine 1058 with arginine.
Molecular consequence: missense variant.
Genome position (GRCh38, 1-based): chr11:47,333,574, A>C on the plus strand (T>G on the coding strand, the complement: MYBPC3 is on the minus strand). VCF-style: chr11-47333574-A-C. GRCh37 (hg19) VCF-style: chr11-47355125-A-C.
Other names: c.3173T>G, p.Leu1058Arg (LRG_386t1); short protein forms L1058R.
Identifiers: ClinVar variation 524982 (VCV000524982.8), dbSNP rs1555120576, ClinGen allele CA380314674.